The following is an entry in ClinVar:

NM_014363.6(SACS):c.10115dup (p.Thr3373fs)

Gene: SACS (sacsin molecular chaperone; minus strand). Cytogenetic location: 13q12.12.
Variant type: Duplication.
Coding change: c.10115dup on transcript NM_014363.6 (MANE Select); coding-DNA position 10115, one base duplicated (C; older notation c.10115dupC).
Protein change: p.Thr3373fs; shifts the reading frame from threonine 3373.
Molecular consequence: frameshift variant.
Genome position (GRCh38, 1-based): chr13:23,333,761, G duplicated on the plus strand (C on the coding strand, the reverse complement: SACS is on the minus strand). VCF-style (leftmost placement, unchanged base first): chr13-23333760-T-TG. GRCh37 (hg19) VCF-style: chr13-23907899-T-TG.
Other names: c.9674dup, p.Thr3226fs (NM_001278055.2); short protein forms T3226fs, T3373fs.
Identifiers: ClinVar variation 2910329 (VCV002910329.3), dbSNP rs2542189991, ClinGen allele CA2622328972.

ClinVar aggregate classification (germline): Pathogenic (1 of 4 stars; one submission).

Conditions:
Spastic paraplegia. Identifiers: MedGen C0037772, HP:0001258.

Allele frequency attached by ClinVar (database versions not stated): gnomAD exomes below 0.00001.

Submission:

Labcorp Genetics (formerly Invitae), Labcorp
Classification: Pathogenic for Spastic paraplegia. Last evaluated: 2023-12-12. Review status: criteria provided, single submitter. Criteria: Invitae Variant Classification Sherloc (09022015). Collection method: clinical testing. Allele origin: germline.
Comment: This sequence change creates a premature translational stop signal (p.Thr3373Asnfs*3) in the SACS gene. While this is not anticipated to result in nonsense mediated decay, it is expected to disrupt the last 1207 amino acid(s) of the SACS protein. This variant is not present in population databases (gnomAD no frequency). This premature translational stop signal has been observed in individual(s) with hereditary spastic paraplegia (PMID: 29538656). This variant disrupts a region of the SACS protein in which other variant(s) (p.Asn4549Asp) have been determined to be pathogenic (PMID: 15156359, 21507954). This suggests that this is a clinically significant region of the protein, and that variants that disrupt it are likely to be disease-causing. For these reasons, this variant has been classified as Pathogenic.

Literature cited by the submitters: PubMed 29538656; PubMed 15156359; PubMed 21507954.